The following is an entry in ClinVar:

Conditions:
Long QT syndrome 5 (LQT5). Identifiers: Orphanet 101016, Orphanet 768, MedGen C1867904, MONDO:0013372, OMIM 613695.

Submission:

Roden Lab, Vanderbilt University Medical Center
No classification provided (evidence only). Condition: Long QT syndrome 5. Review status: no classification provided. Collection method: in vitro. Allele origin: not applicable. Functional consequence: Effect on ion channel function.
ClinVar note: "not provided" was previously submitted as the classification for the variant. However, the classification appeared to be based only on an observation of functional data so it was converted to no classification on 2025-07-30.

NM_000219.6(KCNE1):c.180C>A (p.Gly60=)

Gene: KCNE1 (potassium voltage-gated channel subfamily E regulatory subunit 1; minus strand). Cytogenetic location: 21q22.12.
Variant type: single nucleotide variant.
Coding change: c.180C>A on transcript NM_000219.6 (MANE Select); coding-DNA position 180, C replaced by A.
Protein change: p.Gly60=; no amino-acid change (glycine 60 retained).
Molecular consequence: synonymous variant.
Genome position (GRCh38, 1-based): chr21:34,449,455, G>T on the plus strand (C>A on the coding strand, the complement: KCNE1 is on the minus strand). VCF-style: chr21-34449455-G-T. GRCh37 (hg19) VCF-style: chr21-35821753-G-T.
Other names: c.180C>A, p.Gly60= (NM_001127668.4, NM_001127669.4, NM_001127670.4 and 4 more transcripts).
Identifiers: ClinVar variation 3374257 (VCV003374257.2).